The following is an entry in ClinVar:

ClinVar aggregate classification (germline): Uncertain significance (1 of 4 stars; one submission).

Conditions:
MYO5B-related disorder. Also called: MYO5B-related condition.

gnomAD v4.1: 7 of 1,613,870 alleles (0.00043%); highest among the groups gnomAD compares: Non-Finnish European, 0.00059%; no homozygotes.

Submission:

PreventionGenetics, part of Exact Sciences
Classification: Uncertain significance for MYO5B-related condition. Last evaluated: 2026-05-21. Review status: criteria provided, single submitter. Criteria: ACMG Guidelines, 2015. Collection method: clinical testing. Allele origin: germline.
Comment: The MYO5B c.2554C>G variant is predicted to result in the amino acid substitution p.Arg852Gly. To our knowledge, this variant has not been reported in the literature or in a large population database (gnomAD), indicating this variant is rare. At this time, the clinical significance of this variant is uncertain due to the absence of conclusive functional and genetic evidence.

NM_001080467.3(MYO5B):c.2554C>G (p.Arg852Gly)

Gene: MYO5B (myosin VB; minus strand). Cytogenetic location: 18q21.1.
Variant type: single nucleotide variant.
Coding change: c.2554C>G on transcript NM_001080467.3 (MANE Select); coding-DNA position 2554, C replaced by G.
Protein change: p.Arg852Gly; replaces arginine 852 with glycine.
Molecular consequence: missense variant.
Genome position (GRCh38, 1-based): chr18:49,904,689, G>C on the plus strand (C>G on the coding strand, the complement: MYO5B is on the minus strand). VCF-style: chr18-49904689-G-C. GRCh37 (hg19) VCF-style: chr18-47431059-G-C.
Other names: short protein forms R852G.
Identifiers: ClinVar variation 4995028 (VCV004995028.1).